The following is an entry in ClinVar:

ClinVar aggregate classification (germline): Uncertain significance. Review status: criteria provided, multiple submitters, no conflicts (2 of 4 stars). 2 submissions from 2 submitters: Uncertain significance (2). Last evaluated 2025-04-07.

Conditions:
Catecholaminergic polymorphic ventricular tachycardia (CVPT). Also called: Catecholamine-induced polymorphic ventricular tachycardia. Identifiers: Orphanet 3286, MedGen C5574922, MONDO:0017990.

gnomAD v4.1: 1 of 1,613,904 alleles (0.000062%); highest among the groups gnomAD compares: African/African-American, 0.0013%; no homozygotes.

Submissions (2):

GeneDx
Classification: Uncertain significance. Last evaluated: 2025-04-07. Review status: criteria provided, single submitter. Criteria: GeneDx Variant Classification Process June 2021. Collection method: clinical testing. Allele origin: germline. Affected: yes.
Comment: Not observed at significant frequency in large population cohorts (gnomAD); In silico analysis supports that this missense variant has a deleterious effect on protein structure/function; Has not been previously published as pathogenic or benign to our knowledge; Not located in one of the three hot-spot regions of the RYR2 gene, where the majority of pathogenic missense variants occur (PMID: 19926015); This variant is associated with the following publications: (PMID: 19926015)

All of Us Research Program, National Institutes of Health
Classification: Uncertain significance for Catecholaminergic polymorphic ventricular tachycardia. Last evaluated: 2024-08-06. Review status: criteria provided, single submitter. Criteria: ACMG Guidelines, 2015. Collection method: clinical testing. Allele origin: germline. Inheritance: Autosomal dominant inheritance. Observed: 1 variant allele, 1 heterozygote.
Comment: This study involves interpretation of variants in research participants for the purpose of population health screening. Participant phenotype was not available at the time of variant classification. Additional details can be found in publication PMID: 35346344, PMCID: PMC8962531

NM_001035.3(RYR2):c.2161G>T (p.Asp721Tyr)

Gene: RYR2 (ryanodine receptor 2; plus strand). Cytogenetic location: 1q43.
Variant type: single nucleotide variant.
Coding change: c.2161G>T on transcript NM_001035.3 (MANE Select); coding-DNA position 2161, G replaced by T.
Protein change: p.Asp721Tyr; replaces aspartic acid 721 with tyrosine.
Molecular consequence: missense variant.
Genome position (GRCh38, 1-based): chr1:237,496,710, G>T. VCF-style: chr1-237496710-G-T. GRCh37 (hg19) VCF-style: chr1-237660010-G-T.
Other names: c.2161G>T (NM_001035.2); short protein forms D721Y.
Identifiers: ClinVar variation 3385685 (VCV003385685.2).
Genomic context (GRCh38, chr1:237,496,710, plus strand): 5'-GAAGGATATTCTCCCTACCCTGGAGGGGGCGAAGAGTGGGGTGGAAATGGTGTTGGAGAT[G>T]ATCTCTTCTCCTATGGATTTGATGGCCTTCATCTCTGGTCAGGTACGTACTATCCATTTT-3'
Protein context (NP_001026.2, residues 711-731): EEWGGNGVGD[Asp721Tyr]LFSYGFDGLH